The following is an entry in ClinVar:

NM_177924.5(ASAH1):c.786-1G>C

Gene: ASAH1 (N-acylsphingosine amidohydrolase 1; minus strand). Cytogenetic location: 8p22.
Variant type: single nucleotide variant.
Coding change: c.786-1G>C on transcript NM_177924.5 (MANE Select); the canonical splice acceptor site of the intron before coding-DNA position 786, G replaced by C.
Molecular consequence: splice acceptor variant.
Genome position (GRCh38, 1-based): chr8:18,059,704, C>G on the plus strand (G>C on the coding strand, the complement: ASAH1 is on the minus strand). VCF-style: chr8-18059704-C-G. GRCh37 (hg19) VCF-style: chr8-17917213-C-G.
Other names: c.834-1G>C (NM_004315.6); c.768-1G>C (NM_001127505.3); c.591-1G>C (NM_001363743.2).
Identifiers: ClinVar variation 2021277 (VCV002021277.4), dbSNP rs2537917798, ClinGen allele CA370428468.

ClinVar aggregate classification (germline): Likely pathogenic (1 of 4 stars; one submission).

Allele frequency attached by ClinVar (database versions not stated): gnomAD exomes below 0.00001.
gnomAD v4.1: 2 of 1,612,368 alleles (0.00012%); highest among the groups gnomAD compares: Non-Finnish European, 0.000085%; no homozygotes.

Submission:

Labcorp Genetics (formerly Invitae), Labcorp
Classification: Likely pathogenic. Last evaluated: 2025-02-17. Review status: criteria provided, single submitter. Criteria: Invitae Variant Classification Sherloc (09022015). Collection method: clinical testing. Allele origin: germline.
Comment: This sequence change affects an acceptor splice site in intron 10 of the ASAH1 gene. It is expected to disrupt RNA splicing. Variants that disrupt the donor or acceptor splice site typically lead to a loss of protein function (PMID: 16199547), and loss-of-function variants in ASAH1 are known to be pathogenic (PMID: 24164096, 24355074). This variant is not present in population databases (gnomAD no frequency). This variant has not been reported in the literature in individuals affected with ASAH1-related conditions. ClinVar contains an entry for this variant (Variation ID: 2021277). Algorithms developed to predict the effect of sequence changes on RNA splicing suggest that this variant may disrupt the consensus splice site. In summary, the currently available evidence indicates that the variant is pathogenic, but additional data are needed to prove that conclusively. Therefore, this variant has been classified as Likely Pathogenic.

Literature cited by the submitters: PubMed 16199547; PubMed 24164096; PubMed 24355074.